The following is an entry in ClinVar:

NM_007294.4(BRCA1):c.5404A>G (p.Thr1802Ala)

Gene: BRCA1 (BRCA1 DNA repair associated; minus strand). Cytogenetic location: 17q21.31.
Variant type: single nucleotide variant.
Coding change: c.5404A>G on transcript NM_007294.4 (MANE Select); coding-DNA position 5404, A replaced by G.
Protein change: p.Thr1802Ala; replaces threonine 1802 with alanine.
Molecular consequence: missense variant. On other transcripts: non-coding transcript variant (1), intron variant (1).
Genome position (GRCh38, 1-based): chr17:43,049,123, T>C on the plus strand (A>G on the coding strand, the complement: BRCA1 is on the minus strand). VCF-style: chr17-43049123-T-C. GRCh37 (hg19) VCF-style: chr17-41201140-T-C.
Other names: c.5191A>G, p.Thr1731Ala (NM_001407571.1, NM_001407904.1, NM_001407906.1 and 12 more transcripts); c.5470A>G, p.Thr1824Ala (NM_001407581.1, NM_001407582.1); c.5467A>G, p.Thr1823Ala (NM_001407583.1, NM_001407585.1, NM_001407587.1 and 1 more transcripts); c.5464A>G, p.Thr1822Ala (NM_001407590.1, NM_001407591.1); c.5404A>G, p.Thr1802Ala (NM_001407593.1, NM_001407594.1, NM_001407596.1 and 5 more transcripts); c.5401A>G, p.Thr1801Ala (NM_001407610.1, NM_001407611.1, NM_001407612.1 and 14 more transcripts); c.5398A>G, p.Thr1800Ala (NM_001407627.1, NM_001407628.1, NM_001407629.1 and 13 more transcripts); c.5395A>G, p.Thr1799Ala (NM_001407645.1, NM_001407644.1); and 73 more; short protein forms T1802A, T698A, T1755A, T1823A, T1648A, T1713A, T1730A, T1758A.
Identifiers: ClinVar variation 868051 (VCV000868051.6), dbSNP rs1555575080, ClinGen allele CA10590670.
Genomic context (GRCh38, chr17:43,049,123, plus strand): 5'-CTTGCTCACAGGAGAGAATATTGTGTCCTCCCTCTCTGACAGGGCACCCAATACTTACTG[T>C]GCCAAGGGTGAATGATGAAAGCTCCTTCACCACAGAAGCACCACACAGCTGTACCATCCA-3'
Protein context (NP_009225.1, residues 1792-1812): VKELSSFTLG[Thr1802Ala]GVHPIVVVQP

ClinVar aggregate classification (germline): Conflicting classifications of pathogenicity. Review status: criteria provided, conflicting classifications (1 of 4 stars). 2 submissions from 2 submitters: Uncertain significance (1); Likely benign (1). Last evaluated 2024-04-29.

Conditions:
Hereditary cancer-predisposing syndrome. Also called: Neoplastic Syndromes, Hereditary; Tumor predisposition; Hereditary Cancer Syndrome; Hereditary neoplastic syndrome. Identifiers: Orphanet 140162, MedGen C0027672, MeSH D009386, MONDO:0015356.

Submissions (3):

Color Diagnostics, LLC DBA Color Health
Classification: Uncertain significance for Hereditary cancer-predisposing syndrome. Last evaluated: 2024-04-29. Review status: criteria provided, single submitter. Criteria: ACMG Guidelines, 2015. Collection method: clinical testing. Allele origin: germline.
Comment: This missense variant replaces threonine with alanine at codon 1802 of the BRCA1 protein. Computational prediction suggests that this variant may not impact protein structure and function. A functional study has reported that this variant does not impact BRCA1 function in a haploid cell proliferation assay (PMID: 30209399). To our knowledge, this variant has not been reported in individuals affected with BRCA1-related disorders in the literature. This variant has not been identified in the general population by the Genome Aggregation Database (gnomAD). The available evidence is insufficient to determine the role of this variant in disease conclusively. Therefore, this variant is classified as a Variant of Uncertain Significance.

Ambry Genetics
Classification: Likely benign for Hereditary cancer-predisposing syndrome. Last evaluated: 2023-02-21. Review status: criteria provided, single submitter. Criteria: Ambry Variant Classification Scheme 2023. Collection method: clinical testing. Allele origin: germline.

Brotman Baty Institute, University of Washington
No classification provided (evidence only). Condition: Breast-ovarian cancer, familial 1. Review status: no classification provided. Collection method: in vitro. Allele origin: not applicable. Functional consequence: functionally_normal. Not counted in ClinVar's aggregate classification.
ClinVar note: "not provided" was previously submitted as the classification for the variant. However, the classification appeared to be based only on an observation of functional data so it was converted to no classification on 2025-07-30.

Literature cited by the submitters: PubMed 30209399 (cited by Color Diagnostics, LLC DBA Color Health and Ambry Genetics).